The following is an entry in ClinVar:

ClinVar aggregate classification (germline): Uncertain significance. Review status: criteria provided, multiple submitters, no conflicts (2 of 4 stars). 3 submissions from 3 submitters: Uncertain significance (3). Last evaluated 2021-07-10.

Conditions:
Cardiovascular phenotype. Identifiers: MedGen CN230736.
Myopathy, myofibrillar, 9, with early respiratory failure (MFM9). Also called: EDSTROM MYOPATHY; MYOPATHY, PROXIMAL, WITH EARLY RESPIRATORY MUSCLE INVOLVEMENT; Myopathy, distal, with early respiratory failure, autosomal dominant; Hereditary myopathy with early respiratory failure. Identifiers: Orphanet 178464, Orphanet 34521, MedGen C1863599, MONDO:0011362, OMIM 603689.
Early-onset myopathy with fatal cardiomyopathy (CMYO5). Also called: CONGENITAL MYOPATHY 5 WITH CARDIOMYOPATHY; Salih Myopathy. Identifiers: Orphanet 289377, MedGen C2673677, MONDO:0012714, OMIM 611705. Disease mechanism: loss of function.
Hypertrophic cardiomyopathy 9. Also called: Familial hypertrophic cardiomyopathy 9. Identifiers: MedGen C1861065, MONDO:0013412, OMIM 613765.
Dilated cardiomyopathy 1G (CMD1G). Identifiers: Orphanet 154, MedGen C1858763, MONDO:0011400, OMIM 604145.
Tibial muscular dystrophy (TMD). Also called: UDD MYOPATHY; Tibial muscular dystrophy, tardive; Udd Distal Myopathy – Tibial Muscular Dystrophy. Identifiers: Orphanet 609, MedGen C1838244, MONDO:0010870, OMIM 600334.
Autosomal recessive limb-girdle muscular dystrophy type 2J (LGMDR10). Also called: MUSCULAR DYSTROPHY, LIMB-GIRDLE, AUTOSOMAL RECESSIVE 10; Limb-girdle muscular dystrophy, type 2J. Identifiers: Orphanet 140922, MedGen C1837342, MONDO:0012127, OMIM 608807.

Allele frequency attached by ClinVar (database versions not stated): gnomAD exomes below 0.00001 and 0.00001; ExAC 0.00001; gnomAD 0.00001; TOPMed 0.00002; ESP Exome Variant Server 0.00008.
gnomAD v4.1: 9 of 1,614,022 alleles (0.00056%); highest among the groups gnomAD compares: Non-Finnish European, 0.00068%; no homozygotes.

Submissions (3):

Fulgent Genetics
Classification: Uncertain significance for Tibial muscular dystrophy; Myopathy, myofibrillar, 9, with early respiratory failure; Dilated cardiomyopathy 1G; Autosomal recessive limb-girdle muscular dystrophy type 2J; Early-onset myopathy with fatal cardiomyopathy; Hypertrophic cardiomyopathy 9. Last evaluated: 2021-07-10. Review status: criteria provided, single submitter. Criteria: ACMG Guidelines, 2015. Collection method: clinical testing. Allele origin: unknown.

Ambry Genetics
Classification: Uncertain significance for Cardiovascular phenotype. Last evaluated: 2020-02-27. Review status: criteria provided, single submitter. Criteria: Ambry Variant Classification Scheme 2023. Collection method: clinical testing. Allele origin: germline.
Comment: The p.I2038V variant (also known as c.6112A>G), located in coding exon 26 of the TTN gene, results from an A to G substitution at nucleotide position 6112. The isoleucine at codon 2038 is replaced by valine, an amino acid with highly similar properties. This amino acid position is highly conserved in available vertebrate species. In addition, this alteration is predicted to be tolerated by in silico analysis. Since supporting evidence is limited at this time, the clinical significance of this alteration remains unclear.

GeneDx
Classification: Uncertain significance. Last evaluated: 2014-01-06. Review status: criteria provided, single submitter. Criteria: GeneDx Variant Classification (06012015). Collection method: clinical testing. Allele origin: germline. Affected: yes.
Comment: Missense variants in the TTN gene are considered 'unclassified' if they are not previously reported in the literature and do not have >1% frequency in the population to be considered a polymorphism. Research indicates that truncating mutations in the TTN gene are expected to account for approximately 25% of familial and 18% of sporadic idiopathic DCM; however, truncating variants in the TTN gene have been reported in approximately 3% of reported control alleles. There has been little investigation into non-truncating variants. (Herman D et al. Truncations of titin causing dilated cardiomyopathy. N Eng J Med 366:619-628, 2012) The variant is found in CARDIOMYOPATHY panel(s).

NM_001267550.2(TTN):c.6250A>G (p.Ile2084Val)

Gene: TTN (titin; minus strand). Cytogenetic location: 2q31.2.
Variant type: single nucleotide variant.
Coding change: c.6250A>G on transcript NM_001267550.2 (MANE Select); coding-DNA position 6250, A replaced by G.
Protein change: p.Ile2084Val; replaces isoleucine 2084 with valine.
Molecular consequence: missense variant.
Genome position (GRCh38, 1-based): chr2:178,775,614, T>C on the plus strand (A>G on the coding strand, the complement: TTN is on the minus strand). VCF-style: chr2-178775614-T-C. GRCh37 (hg19) VCF-style: chr2-179640341-T-C.
Other names: p.I2084V:ATC>GTC; c.6112A>G, p.Ile2038Val (NM_003319.4, NM_133432.3, NM_133437.4); c.6250A>G, p.Ile2084Val (NM_133378.4, NM_133379.5, NM_001256850.1); short protein forms I2084V, I2038V.
Identifiers: ClinVar variation 203143 (VCV000203143.5), dbSNP rs369388581, ClinGen allele CA311419.